The following is an entry in ClinVar:

NM_001211.6(BUB1B):c.2528C>G (p.Thr843Ser)

Gene: BUB1B (BUB1 mitotic checkpoint serine/threonine kinase B; plus strand). Cytogenetic location: 15q15.1.
Variant type: single nucleotide variant.
Coding change: c.2528C>G on transcript NM_001211.6 (MANE Select); coding-DNA position 2528, C replaced by G.
Protein change: p.Thr843Ser; replaces threonine 843 with serine.
Molecular consequence: missense variant.
Genome position (GRCh38, 1-based): chr15:40,212,641, C>G. VCF-style: chr15-40212641-C-G. GRCh37 (hg19) VCF-style: chr15-40504842-C-G.
Other names: short protein forms T843S.
Identifiers: ClinVar variation 1792615 (VCV001792615.2), dbSNP rs2037728904, ClinGen allele CA391695572.

ClinVar aggregate classification (germline): Uncertain significance (1 of 4 stars; one submission).

Conditions:
Inborn genetic diseases. Identifiers: MedGen C0950123, MeSH D030342.

Submission:

Ambry Genetics
Classification: Uncertain significance for Inborn genetic diseases. Last evaluated: 2022-04-22. Review status: criteria provided, single submitter. Criteria: Ambry Variant Classification Scheme 2023. Collection method: clinical testing. Allele origin: germline.
Comment: The p.T843S variant (also known as c.2528C>G), located in coding exon 19 of the BUB1B gene, results from a C to G substitution at nucleotide position 2528. The threonine at codon 843 is replaced by serine, an amino acid with similar properties. This amino acid position is conserved. In addition, this alteration is predicted to be tolerated by in silico analysis. Since supporting evidence is limited at this time, the clinical significance of this alteration remains unclear.